The following is an entry in ClinVar:

ClinVar aggregate classification (germline): Uncertain significance (1 of 4 stars; one submission).

Conditions:
Intellectual developmental disorder 62. Also called: MENTAL RETARDATION, AUTOSOMAL DOMINANT 62; INTELLECTUAL DEVELOPMENTAL DISORDER, AUTOSOMAL DOMINANT 62. Identifiers: MedGen C5394083, MONDO:0032919, OMIM 618793.

gnomAD v4.1: 1 of 1,611,558 alleles (0.000062%); highest among the groups gnomAD compares: Non-Finnish European, 0.000085%; no homozygotes.

Submission:

Juno Genomics, Hangzhou Juno Genomics, Inc
Classification: Uncertain significance for Intellectual developmental disorder 62. Review status: criteria provided, single submitter. Criteria: ACMG Guidelines, 2015. Collection method: clinical testing. Allele origin: germline.
Comment: Absent from controls (or at extremely low frequency if recessive) in Genome Aggregation Database.;Missense variant in a gene that has a low rate of benign missense variation.

NM_001321075.3(DLG4):c.188A>G (p.Tyr63Cys)

Gene: DLG4 (discs large MAGUK scaffold protein 4; minus strand). Cytogenetic location: 17p13.1.
Variant type: single nucleotide variant.
Coding change: c.188A>G on transcript NM_001321075.3 (MANE Select); coding-DNA position 188, A replaced by G.
Protein change: p.Tyr63Cys; replaces tyrosine 63 with cysteine.
Molecular consequence: missense variant. On other transcripts: non-coding transcript variant (1).
Genome position (GRCh38, 1-based): chr17:7,204,030, T>C on the plus strand (A>G on the coding strand, the complement: DLG4 is on the minus strand). VCF-style: chr17-7204030-T-C. GRCh37 (hg19) VCF-style: chr17-7107349-T-C.
Other names: c.179A>G, p.Tyr60Cys (NM_001128827.4); c.308A>G, p.Tyr103Cys (NM_001321074.1); c.8A>G, p.Tyr3Cys (NM_001321076.3, NM_001321077.3); c.317A>G, p.Tyr106Cys (NM_001365.5); c.107A>G, p.Tyr36Cys (NM_001369566.3); short protein forms Y36C, Y3C, Y103C, Y106C, Y63C, Y60C.
Identifiers: ClinVar variation 5005800 (VCV005005800.2).
Genomic context (GRCh38, chr17:7,204,030, plus strand): 5'-GGAGGCCACGGGGACTGCCGATGGAGGAGCCTGCTCACCCTTTCCAATGTGATTTCCTCG[T>C]ATTCCATCTCCCCCTCGGTCCCGTTCACCTGCAACTCCAGCACGGGACAGAAACACAAAA-3'
Protein context (NP_001308004.1, residues 53-73): QVNGTEGEME[Tyr63Cys]EEITLERGNS